The following is an entry in ClinVar:

NM_000187.4(HGD):c.357dup (p.Cys120fs)

Gene: HGD (homogentisate 1,2-dioxygenase; minus strand). Cytogenetic location: 3q13.33.
Variant type: Duplication.
Coding change: c.357dup on transcript NM_000187.4 (MANE Select); coding-DNA position 357, one base duplicated (G; older notation c.357dupG).
Protein change: p.Cys120fs; shifts the reading frame from cysteine 120.
Molecular consequence: frameshift variant.
Genome position (GRCh38, 1-based): chr3:120,650,851, C duplicated on the plus strand (G on the coding strand, the reverse complement: HGD is on the minus strand). VCF-style (leftmost placement, unchanged base first): chr3-120650850-A-AC. GRCh37 (hg19) VCF-style: chr3-120369697-A-AC.
Other names: short protein forms C120fs.
Identifiers: ClinVar variation 2584703 (VCV002584703.2), dbSNP rs2472717033, ClinGen allele CA2582342883.

ClinVar aggregate classification (germline): Pathogenic (0 of 4 stars; one submission).

Conditions:
Alkaptonuria (AKU). Also called: Alkaptonuric ochronosis; Homogentisic acidura; HOMOGENTISIC ACID OXIDASE DEFICIENCY; Alcaptonuria. Identifiers: Orphanet 56, MedGen C0002066, MONDO:0008753, OMIM 203500.

Submission:

Department Of Human Genetics, Institute Of Clinical And Translational Research, Biomedical Research Center, Slovak Academy Of Sciences
Classification: Pathogenic for Alkaptonuria. Review status: no assertion criteria provided. Collection method: research. Allele origin: germline. Inheritance: Autosomal recessive inheritance. Observed: 1 variant allele.
Comment: The variant was originally described in PMID:12501223. It has been submitted to the HGD gene mutation database (DB-ID: AKU_00027).

Literature cited by the submitters: PubMed 12501223.